The following is an entry in ClinVar:

ClinVar aggregate classification (germline): Uncertain significance (1 of 4 stars; one submission).

gnomAD v4.1: 31 of 1,614,026 alleles (0.0019%); highest among the groups gnomAD compares: Admixed American, 0.0067%; no homozygotes.

Submission:

Labcorp Genetics (formerly Invitae), Labcorp
Classification: Uncertain significance. Last evaluated: 2025-08-31. Review status: criteria provided, single submitter. Criteria: Invitae Variant Classification Sherloc (09022015). Collection method: clinical testing. Allele origin: germline.
Comment: This sequence change replaces alanine, which is neutral and non-polar, with threonine, which is neutral and polar, at codon 1635 of the POLR1A protein (p.Ala1635Thr). This variant is present in population databases (rs750443932, gnomAD 0.008%). This variant has not been reported in the literature in individuals affected with POLR1A-related conditions. Invitae Evidence Modeling of protein sequence and biophysical properties (such as structural, functional, and spatial information, amino acid conservation, physicochemical variation, residue mobility, and thermodynamic stability) indicates that this missense variant is not expected to disrupt POLR1A protein function with a negative predictive value of 80%. In summary, the available evidence is currently insufficient to determine the role of this variant in disease. Therefore, it has been classified as a Variant of Uncertain Significance.

NM_015425.6(POLR1A):c.4903G>A (p.Ala1635Thr)

Gene: POLR1A (RNA polymerase I subunit A; minus strand). Cytogenetic location: 2p11.2.
Variant type: single nucleotide variant.
Coding change: c.4903G>A on transcript NM_015425.6 (MANE Select); coding-DNA position 4903, G replaced by A.
Protein change: p.Ala1635Thr; replaces alanine 1635 with threonine.
Molecular consequence: missense variant.
Genome position (GRCh38, 1-based): chr2:86,028,044, C>T on the plus strand (G>A on the coding strand, the complement: POLR1A is on the minus strand). VCF-style: chr2-86028044-C-T. GRCh37 (hg19) VCF-style: chr2-86255167-C-T.
Other names: short protein forms A1635T.
Identifiers: ClinVar variation 4696616 (VCV004696616.1).